The following is an entry in ClinVar:

ClinVar aggregate classification (germline): Uncertain significance (1 of 4 stars; one submission).

Conditions:
Cystic fibrosis (CF). Also called: MUCOVISCIDOSIS. Identifiers: Orphanet 586, MedGen C0010674, MONDO:0009061, OMIM 219700. Disease mechanism: loss of function.

Submission:

Ambry Genetics
Classification: Uncertain significance for Cystic fibrosis. Last evaluated: 2024-03-15. Review status: criteria provided, single submitter. Criteria: Ambry Variant Classification Scheme 2023. Collection method: clinical testing. Allele origin: germline.
Comment: The p.G500V variant (also known as c.1499G>T), located in coding exon 11 of the CFTR gene, results from a G to T substitution at nucleotide position 1499. The glycine at codon 500 is replaced by valine, an amino acid with dissimilar properties. This amino acid position is highly conserved in available vertebrate species. In addition, this alteration is predicted to be deleterious by in silico analysis. Based on the available evidence, the clinical significance of this alteration remains unclear.

NM_000492.4(CFTR):c.1499G>T (p.Gly500Val)

Genes: CFTR-AS1 (CFTR antisense RNA 1; minus strand), CFTR (CF transmembrane conductance regulator; plus strand). Cytogenetic location: 7q31.2.
Variant type: single nucleotide variant.
Coding change: c.1499G>T on transcript NM_000492.4 (MANE Select); coding-DNA position 1499, G replaced by T.
Protein change: p.Gly500Val; replaces glycine 500 with valine.
Molecular consequence: missense variant.
Genome position (GRCh38, 1-based): chr7:117,559,570, G>T. VCF-style: chr7-117559570-G-T. GRCh37 (hg19) VCF-style: chr7-117199624-G-T.
Other names: short protein forms G500V.
Identifiers: ClinVar variation 3266640 (VCV003266640.1).